The following is an entry in ClinVar:

ClinVar aggregate classification (germline): Uncertain significance (1 of 4 stars; one submission).

Conditions:
Neuroblastoma, susceptibility to, 3. Also called: ALK-Related Neuroblastic Tumor Susceptibility. Identifiers: Orphanet 635, MedGen C2751681, MONDO:0013083, OMIM 613014.

Submission:

Labcorp Genetics (formerly Invitae), Labcorp
Classification: Uncertain significance for Neuroblastoma, susceptibility to, 3. Last evaluated: 2019-07-23. Review status: criteria provided, single submitter. Criteria: Invitae Variant Classification Sherloc (09022015). Collection method: clinical testing. Allele origin: germline.
Comment: This sequence change replaces methionine with leucine at codon 1223 of the ALK protein (p.Met1223Leu). The methionine residue is highly conserved and there is a small physicochemical difference between methionine and leucine. This variant is not present in population databases (ExAC no frequency). This variant has not been reported in the literature in individuals with ALK-related conditions. Algorithms developed to predict the effect of missense changes on protein structure and function are either unavailable or do not agree on the potential impact of this missense change (SIFT: "Deleterious"; PolyPhen-2: "Probably Damaging"; Align-GVGD: "Class C0"). In summary, the available evidence is currently insufficient to determine the role of this variant in disease. Therefore, it has been classified as a Variant of Uncertain Significance.

NM_004304.5(ALK):c.3667A>C (p.Met1223Leu)

Gene: ALK (ALK receptor tyrosine kinase; minus strand). Cytogenetic location: 2p23.2.
Variant type: single nucleotide variant.
Coding change: c.3667A>C on transcript NM_004304.5 (MANE Select); coding-DNA position 3667, A replaced by C.
Protein change: p.Met1223Leu; replaces methionine 1223 with leucine.
Molecular consequence: missense variant.
Genome position (GRCh38, 1-based): chr2:29,214,060, T>G on the plus strand (A>C on the coding strand, the complement: ALK is on the minus strand). VCF-style: chr2-29214060-T-G. GRCh37 (hg19) VCF-style: chr2-29436926-T-G.
Other names: c.463A>C, p.Met155Leu (NM_001353765.2); short protein forms M155L, M1223L.
Identifiers: ClinVar variation 948489 (VCV000948489.9), dbSNP rs1573108993, ClinGen allele CA346471601.